The following is an entry in ClinVar:

ClinVar aggregate classification (germline): Benign/Likely benign. Review status: criteria provided, multiple submitters, no conflicts (2 of 4 stars). 4 submissions from 4 submitters: Benign (2); Likely benign (1). 1 of the submissions does not count toward it. Last evaluated 2025-11-25.

Conditions:
FYCO1-related disorder. Also called: FYCO1-related condition.
Cataract 18 (CATC2). Also called: CATARACT 18, AUTOSOMAL RECESSIVE. Identifiers: Orphanet 91492, Orphanet 98991, Orphanet 98992, Orphanet 98995, MedGen C1864908, MONDO:0012395, OMIM 610019.

Allele frequency attached by ClinVar (database versions not stated): gnomAD exomes 0.00030 and 0.00099; ExAC 0.00125; gnomAD 0.00336 and 0.00363; TOPMed 0.00390; 1000 Genomes Project 0.00399; 1000 Genomes Project 30x 0.00422; ESP Exome Variant Server 0.00507.
gnomAD v4.1: 976 of 1,614,152 alleles (0.06%); highest among the groups gnomAD compares: African/African-American, 1.2%; 8 homozygotes.

Submissions (4):

Labcorp Genetics (formerly Invitae), Labcorp
Classification: Benign for Cataract 18. Last evaluated: 2025-11-25. Review status: criteria provided, single submitter. Criteria: Invitae Variant Classification Sherloc (09022015). Collection method: clinical testing. Allele origin: germline.

GeneDx
Classification: Likely benign. Last evaluated: 2022-01-09. Review status: criteria provided, single submitter. Criteria: GeneDx Variant Classification Process June 2021. Collection method: clinical testing. Allele origin: germline. Affected: yes.
Comment: See Variant Classification Assertion Criteria.

Illumina Laboratory Services, Illumina
Classification: Benign for Cataract 18. Last evaluated: 2018-01-12. Review status: criteria provided, single submitter. Criteria: ICSL Variant Classification Criteria 13 December 2019. Collection method: clinical testing. Allele origin: germline.
Comment: This variant was observed in the ICSL laboratory as part of a predisposition screen in an ostensibly healthy population. It had not been previously curated by ICSL or reported in the Human Gene Mutation Database (HGMD: prior to June 1st, 2018), and was therefore a candidate for classification through an automated scoring system. Utilizing variant allele frequency, disease prevalence and penetrance estimates, and inheritance mode, an automated score was calculated to assess if this variant is too frequent to cause the disease. Based on the score and internal cut-off values, a variant classified as benign is not then subjected to further curation. The score for this variant resulted in a classification of benign for this disease.

PreventionGenetics, part of Exact Sciences
Classification: Benign for FYCO1-related condition. Last evaluated: 2019-05-08. Review status: no assertion criteria provided. Collection method: clinical testing. Allele origin: germline. Not counted in ClinVar's aggregate classification.
Comment: This variant is classified as benign based on ACMG/AMP sequence variant interpretation guidelines (Richards et al. 2015 PMID: 25741868, with internal and published modifications).

NM_024513.4(FYCO1):c.647C>T (p.Ser216Phe)

Gene: FYCO1 (FYVE and coiled-coil domain autophagy adaptor 1; minus strand). Cytogenetic location: 3p21.31.
Variant type: single nucleotide variant.
Coding change: c.647C>T on transcript NM_024513.4 (MANE Select); coding-DNA position 647, C replaced by T.
Protein change: p.Ser216Phe; replaces serine 216 with phenylalanine.
Molecular consequence: missense variant.
Genome position (GRCh38, 1-based): chr3:45,968,687, G>A on the plus strand (C>T on the coding strand, the complement: FYCO1 is on the minus strand). VCF-style: chr3-45968687-G-A. GRCh37 (hg19) VCF-style: chr3-46010179-G-A.
Other names: short protein forms S216F.
Identifiers: ClinVar variation 345540 (VCV000345540.14), dbSNP rs140002692, ClinGen allele CA2353400.
Genomic context (GRCh38, chr3:45,968,687, plus strand): 5'-CGCATCTCATCAAAGCCCTCCAATGCCTCGTTGTTTAGGGGGCTGTTCAGGTCAAAGTTG[G>A]ACACCATCTCTTGAGTCTGGGAGGGAAAACACAAAAGACAAGTGGCTTTAGGATGAAGCT-3'
Protein context (NP_078789.2, residues 206-226): SSYLQTQEMV[Ser216Phe]NFDLNSPLNN